The following is an entry in ClinVar:

NM_001329752.2(FAM136A):c.582C>T (p.Asn194=)

Gene: FAM136A (family with sequence similarity 136 member A; minus strand). Cytogenetic location: 2p13.3.
Variant type: single nucleotide variant.
Coding change: c.582C>T on transcript NM_001329752.2 (MANE Select); coding-DNA position 582, C replaced by T.
Protein change: p.Asn194=; no amino-acid change (asparagine 194 retained).
Molecular consequence: synonymous variant.
Genome position (GRCh38, 1-based): chr2:70,297,445, G>A on the plus strand (C>T on the coding strand, the complement: FAM136A is on the minus strand). VCF-style: chr2-70297445-G-A. GRCh37 (hg19) VCF-style: chr2-70524577-G-A.
Other names: c.516C>T, p.Asn172= (NM_001329753.2); c.168C>T, p.Asn56= (NM_001329755.2, NM_001329757.2, NM_001329758.2); c.261C>T, p.Asn87= (NM_032822.3).
Identifiers: ClinVar variation 3059710 (VCV003059710.2), dbSNP rs2618235, ClinGen allele CA1698446.

ClinVar aggregate classification (germline): Benign (0 of 4 stars; one submission).

Conditions:
FAM136A-related disorder. Also called: FAM136A-related condition.

Allele frequency attached by ClinVar (database versions not stated): 1000 Genomes Project 30x 0.24828; gnomAD 0.26088; 1000 Genomes Project 0.26378; ESP Exome Variant Server 0.26511; ExAC 0.27957; gnomAD exomes 0.29405.
gnomAD v4.1: 467,147 of 1,607,534 alleles (29%); highest among the groups gnomAD compares: East Asian, 33%; 48,517 homozygotes.

Submission:

PreventionGenetics, part of Exact Sciences
Classification: Benign for FAM136A-related condition. Last evaluated: 2020-06-22. Review status: no assertion criteria provided. Collection method: clinical testing. Allele origin: germline.
Comment: This variant is classified as benign based on ACMG/AMP sequence variant interpretation guidelines (Richards et al. 2015 PMID: 25741868, with internal and published modifications).